The following is an entry in ClinVar:

ClinVar aggregate classification (germline): Uncertain significance. Review status: criteria provided, multiple submitters, no conflicts (2 of 4 stars). 5 submissions from 5 submitters: Uncertain significance (5). Last evaluated 2025-09-29.

Conditions:
Upshaw-Schulman syndrome (TTP). Also called: THROMBOTIC THROMBOCYTOPENIC PURPURA, HEREDITARY; Congenital thrombotic thrombocytopenic purpura. Identifiers: Orphanet 93583, MedGen C1268935, MONDO:0010122, OMIM 274150.

Allele frequency attached by ClinVar (database versions not stated): gnomAD exomes 0.00004 and 0.00007; gnomAD 0.00008; ExAC 0.00009; TOPMed 0.00020; 1000 Genomes Project 30x 0.00031; 1000 Genomes Project 0.00040.
gnomAD v4.1: 74 of 1,600,102 alleles (0.0046%); highest among the groups gnomAD compares: Admixed American, 0.038%; no homozygotes.

Submissions (5):

Mayo Clinic Laboratories, Mayo Clinic
Classification: Uncertain significance. Last evaluated: 2025-09-29. Review status: criteria provided, single submitter. Criteria: ACMG Guidelines, 2015. Collection method: clinical testing. Allele origin: germline. Observed: 1 variant allele.

Fulgent Genetics
Classification: Uncertain significance for Upshaw-Schulman syndrome. Last evaluated: 2024-04-08. Review status: criteria provided, single submitter. Criteria: ACMG Guidelines, 2015. Collection method: clinical testing. Allele origin: germline.

GeneDx
Classification: Uncertain significance. Last evaluated: 2024-03-22. Review status: criteria provided, single submitter. Criteria: GeneDx Variant Classification Process June 2021. Collection method: clinical testing. Allele origin: germline. Affected: yes.
Comment: In silico analysis supports that this missense variant does not alter protein structure/function; Has not been previously published as pathogenic or benign to our knowledge

Labcorp Genetics (formerly Invitae), Labcorp
Classification: Uncertain significance. Last evaluated: 2022-03-04. Review status: criteria provided, single submitter. Criteria: Invitae Variant Classification Sherloc (09022015). Collection method: clinical testing. Allele origin: germline.
Comment: This sequence change replaces arginine, which is basic and polar, with glutamine, which is neutral and polar, at codon 954 of the ADAMTS13 protein (p.Arg954Gln). This variant also falls at the last nucleotide of exon 22, which is part of the consensus splice site for this exon. This variant is present in population databases (rs200273776, gnomAD 0.03%). This variant has not been reported in the literature in individuals affected with ADAMTS13-related conditions. ClinVar contains an entry for this variant (Variation ID: 914717). Algorithms developed to predict the effect of missense changes on protein structure and function output the following: SIFT: "Tolerated"; PolyPhen-2: "Benign"; Align-GVGD: "Class C0". The glutamine amino acid residue is found in multiple mammalian species, which suggests that this missense change does not adversely affect protein function. Variants that disrupt the consensus splice site are a relatively common cause of aberrant splicing (PMID: 17576681, 9536098). Algorithms developed to predict the effect of sequence changes on RNA splicing suggest that this variant may disrupt the consensus splice site. In summary, the available evidence is currently insufficient to determine the role of this variant in disease. Therefore, it has been classified as a Variant of Uncertain Significance.

Illumina Laboratory Services, Illumina
Classification: Uncertain significance for Upshaw-Schulman syndrome. Last evaluated: 2018-01-12. Review status: criteria provided, single submitter. Criteria: ICSL Variant Classification Criteria 13 December 2019. Collection method: clinical testing. Allele origin: germline.

Literature cited by the submitters: PubMed 17576681 (cited by Labcorp Genetics (formerly Invitae), Labcorp); PubMed 9536098 (cited by Labcorp Genetics (formerly Invitae), Labcorp).

NM_139027.6(ADAMTS13):c.2861G>A (p.Arg954Gln)

Gene: ADAMTS13 (ADAM metallopeptidase with thrombospondin type 1 motif 13; plus strand). Cytogenetic location: 9q34.2.
Variant type: single nucleotide variant.
Coding change: c.2861G>A on transcript NM_139027.6 (MANE Select); coding-DNA position 2861, G replaced by A.
Protein change: p.Arg954Gln; replaces arginine 954 with glutamine.
Molecular consequence: missense variant. On other transcripts: non-coding transcript variant (1).
Genome position (GRCh38, 1-based): chr9:133,448,728, G>A. VCF-style: chr9-133448728-G-A. GRCh37 (hg19) VCF-style: chr9-136313849-G-A.
Other names: p.Arg954Gln; c.2861G>A, p.Arg954Gln (NM_139025.5); c.2768G>A, p.Arg923Gln (NM_139026.6); c.2861G>A (NM_139025.3); short protein forms R954Q, R923Q.
Identifiers: ClinVar variation 914717 (VCV000914717.9), dbSNP rs200273776, ClinGen allele CA200939160.
Genomic context (GRCh38, chr9:133,448,728, plus strand): 5'-GCCTGGCAAGCAAGCCTGGGAGCCGGCGGGAGGTCTGCCAGGCTGTCCCGTGCCCTGCTC[G>A]GTGAGTGAGGGGAGCAAGACTGTGTGCTGGCCTTCTCCCTGTAAGTGGGAGACCCGAGCC-3'
Protein context (NP_620596.2, residues 944-964): EVCQAVPCPA[Arg954Gln]WQYKLAACSV